The following is an entry in ClinVar:

NM_000091.5(COL4A3):c.2546C>G (p.Ser849Ter)

Genes: COL4A3 (collagen type IV alpha 3 chain; plus strand), MFF-DT (MFF divergent transcript; minus strand). Cytogenetic location: 2q36.3.
Variant type: single nucleotide variant.
Coding change: c.2546C>G on transcript NM_000091.5 (MANE Select); coding-DNA position 2546, C replaced by G.
Protein change: p.Ser849Ter; replaces serine 849 with a stop codon.
Molecular consequence: nonsense.
Genome position (GRCh38, 1-based): chr2:227,282,422, C>G. VCF-style: chr2-227282422-C-G. GRCh37 (hg19) VCF-style: chr2-228147138-C-G.
Other names: c.2546C>G (NM_000091.4); short protein forms S849*.
Identifiers: ClinVar variation 1074501 (VCV001074501.9), dbSNP rs2072043249, ClinGen allele CA350850257.

ClinVar aggregate classification (germline): Pathogenic/Likely pathogenic. Review status: criteria provided, multiple submitters, no conflicts (2 of 4 stars). 3 submissions from 3 submitters: Pathogenic (2); Likely pathogenic (1). Last evaluated 2025-08-25.

Conditions:
Alport syndrome. Also called: Hemorrhagic familial nephritis; Hemorrhagic hereditary nephritis; Congenital hereditary hematuria. Identifiers: Orphanet 63, MedGen C1567741, MONDO:0018965.

Allele frequency attached by ClinVar (database versions not stated): TOPMed 0.00001.
gnomAD v4.1: 2 of 1,613,750 alleles (0.00012%); highest among the groups gnomAD compares: African/African-American, 0.0027%; no homozygotes.

Submissions (3):

Natera, Inc.
Classification: Likely pathogenic for Alport syndrome. Last evaluated: 2025-08-25. Review status: criteria provided, single submitter. Criteria: Natera Variant Classification Schema (03/2026). Collection method: clinical testing. Allele origin: germline.
Comment: The c.2546C>G variant in COL4A3 is a nonsense variant predicted to introduce a stop codon at amino acid 849. This variant is expected to result in nonsense mediated decay, truncation, or a dysfunctional protein product. This variant is rare in the general population with a frequency below the threshold expected for the associated phenotype(s). Given the available evidence, this variant is classified as Likely Pathogenic.

GeneDx
Classification: Pathogenic. Last evaluated: 2025-06-12. Review status: criteria provided, single submitter. Criteria: GeneDx Variant Classification Process June 2021. Collection method: clinical testing. Allele origin: germline. Affected: yes.
Comment: Nonsense variant predicted to result in protein truncation or nonsense mediated decay in a gene for which loss of function is a known mechanism of disease; Not observed at significant frequency in large population cohorts (gnomAD); Has not been previously published as pathogenic or benign to our knowledge; This variant is associated with the following publications: (PMID: 8956999, 24854265, 27281700, 26809805)

Labcorp Genetics (formerly Invitae), Labcorp
Classification: Pathogenic. Last evaluated: 2022-10-13. Review status: criteria provided, single submitter. Criteria: Invitae Variant Classification Sherloc (09022015). Collection method: clinical testing. Allele origin: germline.
Comment: This sequence change creates a premature translational stop signal (p.Ser849*) in the COL4A3 gene. It is expected to result in an absent or disrupted protein product. Loss-of-function variants in COL4A3 are known to be pathogenic (PMID: 8956999, 24854265, 26809805, 27281700). For these reasons, this variant has been classified as Pathogenic. ClinVar contains an entry for this variant (Variation ID: 1074501). This variant has not been reported in the literature in individuals affected with COL4A3-related conditions. This variant is not present in population databases (gnomAD no frequency).

Literature cited by the submitters: PubMed 8956999 (cited by Labcorp Genetics (formerly Invitae), Labcorp); PubMed 24854265 (cited by Labcorp Genetics (formerly Invitae), Labcorp); PubMed 26809805 (cited by Labcorp Genetics (formerly Invitae), Labcorp); PubMed 27281700 (cited by Labcorp Genetics (formerly Invitae), Labcorp).